The following is an entry in ClinVar:

ClinVar aggregate classification (germline): Uncertain significance (1 of 4 stars; one submission).

Submission:

GeneDx
Classification: Uncertain significance. Last evaluated: 2024-02-26. Review status: criteria provided, single submitter. Criteria: GeneDx Variant Classification Process June 2021. Collection method: clinical testing. Allele origin: germline. Affected: yes.
Comment: Has not been previously published as pathogenic or benign to our knowledge; In silico analysis supports that this missense variant does not alter protein structure/function

NM_001042545.2(LTBP4):c.3296G>A (p.Arg1099His)

Gene: LTBP4 (latent transforming growth factor beta binding protein 4; plus strand). Cytogenetic location: 19q13.2.
Variant type: single nucleotide variant.
Coding change: c.3296G>A on transcript NM_001042545.2 (MANE Select); coding-DNA position 3296, G replaced by A.
Protein change: p.Arg1099His; replaces arginine 1099 with histidine.
Molecular consequence: missense variant.
Genome position (GRCh38, 1-based): chr19:40,622,479, G>A. VCF-style: chr19-40622479-G-A. GRCh37 (hg19) VCF-style: chr19-41128384-G-A.
Other names: c.3497G>A, p.Arg1166His (NM_001042544.1); c.3386G>A, p.Arg1129His (NM_003573.2); short protein forms R1099H, R1129H, R1166H.
Identifiers: ClinVar variation 3369708 (VCV003369708.1).
Genomic context (GRCh38, chr19:40,622,479, plus strand): 5'-AGCCCCAGGCACCTGCTAGCCCCGTTCTGCCCGCCAGGCCACCTCCGCCACCCCTGCCCC[G>A]CCGACCCAGCACACCTAGGCAGGGCCCTGTGGGGAGTGGGCGCCGGGAGTGCTACTTTGA-3'
Protein context (NP_001036010.1, residues 1089-1109): PARPPPPPLP[Arg1099His]RPSTPRQGPV